The following is an entry in ClinVar:

ClinVar aggregate classification (germline): Conflicting classifications of pathogenicity. Review status: criteria provided, conflicting classifications (1 of 4 stars). 2 submissions from 2 submitters: Likely pathogenic (1); Uncertain significance (1). Last evaluated 2025-03-10.

Conditions:
Retinitis pigmentosa (RP). Identifiers: Orphanet 791, MedGen C0035334, MeSH D012174, MONDO:0019200, OMIM 268000. Inheritance: Autosomal dominant, autosomal recessive and X linked inheritance.

Submissions (2):

Women's Health and Genetics/Laboratory Corporation of America, LabCorp
Classification: Likely pathogenic for Retinitis pigmentosa. Last evaluated: 2025-03-10. Review status: criteria provided, single submitter. Criteria: LabCorp Variant Classification Summary - May 2015. Collection method: clinical testing. Allele origin: germline.
Comment: Variant summary: ABCA4 c.443-2dupA is located in a canonical splice-site and is predicted to affect mRNA splicing resulting in a significantly altered protein due to either exon skipping, shortening, or inclusion of intronic material. Variants that disrupt the consensus splice site are a relatively common cause of aberrant splicing and loss of ABCA4 function. Several computational tools predict a significant impact on normal splicing: Two predict the variant abolishes a canonical 3' acceptor site. Two predict the variant weakens this site. Two predict the variant creates a cryptic 5' donor site. However, these predictions have yet to be confirmed by functional studies. The variant allele was found at a frequency of 1.2e-05 in 250938 control chromosomes (gnomAD). To our knowledge, no occurrence of c.443-2dupA in individuals affected with Retinitis Pigmentosa and no experimental evidence demonstrating its impact on protein function have been reported. No submitters have cited clinical-significance assessments for this variant to ClinVar. Based on the evidence outlined above, the variant was classified as likely pathogenic.

Blueprint Genetics
Classification: Uncertain significance. Last evaluated: 2021-10-11. Review status: criteria provided, single submitter. Criteria: ACMG Guidelines, 2015. Collection method: clinical testing. Allele origin: germline.

NM_000350.3(ABCA4):c.443-2dup

Gene: ABCA4 (ATP binding cassette subfamily A member 4; minus strand). Cytogenetic location: 1p22.1.
Variant type: Duplication.
Coding change: c.443-2dup on transcript NM_000350.3 (MANE Select); the canonical splice acceptor site of the intron before coding-DNA position 443, one base duplicated (A; older notation c.443-2dupA).
Molecular consequence: splice acceptor variant.
Genome position (GRCh38, 1-based): chr1:94,103,144, T duplicated on the plus strand (A on the coding strand, the reverse complement: ABCA4 is on the minus strand). VCF-style (leftmost placement, unchanged base first): chr1-94103143-C-CT. GRCh37 (hg19) VCF-style: chr1-94568699-C-CT.
Other names: c.443-2dup (NM_001425324.1); c.443-2dupA (NM_000350.3).
Identifiers: ClinVar variation 3895754 (VCV003895754.2).
Genomic context (GRCh38, chr1:94,103,143, plus strand): 5'-TGAGAAATAGTGTCAGTGTTTCTTCATCTTTCAAGATATCCCTTATTCGTATTCCTCTTC[C>CT]TACATATGAATAAGAGAAAGAACAGGGTGTTGAAGGGGAAATGGGTCAAAAAAAGGAAAA-3'